The following is an entry in ClinVar:

ClinVar aggregate classification (germline): Uncertain significance (1 of 4 stars; one submission).

Conditions:
Inborn genetic diseases. Identifiers: MedGen C0950123, MeSH D030342.

gnomAD v4.1: 1 of 1,606,956 alleles (0.000062%); highest among the groups gnomAD compares: Non-Finnish European, 0.000085%; no homozygotes.

Submission:

Ambry Genetics
Classification: Uncertain significance for Inborn genetic diseases. Last evaluated: 2026-08-10. Review status: criteria provided, single submitter. Criteria: Ambry Variant Classification Scheme 2023. Collection method: clinical testing. Allele origin: germline.
Comment: The p.S599P variant (also known as c.1795T>C), located in coding exon 20 of the RTEL1 gene, results from a T to C substitution at nucleotide position 1795. The serine at codon 599 is replaced by proline, an amino acid with similar properties. This amino acid position is conserved. In addition, the in silico prediction for this alteration is inconclusive. Based on the available evidence, the clinical significance of this variant remains unclear.

NM_001283009.2(RTEL1):c.1795T>C (p.Ser599Pro)

Genes: RTEL1 (regulator of telomere elongation helicase 1; plus strand), RTEL1-TNFRSF6B (RTEL1-TNFRSF6B readthrough (NMD candidate); plus strand). Cytogenetic location: 20q13.33.
Variant type: single nucleotide variant.
Coding change: c.1795T>C on transcript NM_001283009.2 (MANE Select); coding-DNA position 1795, T replaced by C.
Protein change: p.Ser599Pro; replaces serine 599 with proline.
Molecular consequence: missense variant. On other transcripts: non-coding transcript variant (1).
Genome position (GRCh38, 1-based): chr20:63,688,600, T>C. VCF-style: chr20-63688600-T-C. GRCh37 (hg19) VCF-style: chr20-62319953-T-C.
Other names: c.1126T>C, p.Ser376Pro (NM_001283010.1); c.1795T>C, p.Ser599Pro (NM_016434.4); c.1867T>C, p.Ser623Pro (NM_032957.5); short protein forms S623P, S376P, S599P.
Identifiers: ClinVar variation 5028506 (VCV005028506.1).
Genomic context (GRCh38, chr20:63,688,600, plus strand): 5'-GCCAGGAAGATGGAGGCGCTGAAGCCGCTGTTTGTGGAGCCCAGGAGCAAAGGCAGCTTC[T>C]CCGAGGTCGGCACTTGGCCGGGGCTCTGGGCCTGCTGCCCCCTCGTGCCTCCCCTGCCTC-3'
Protein context (NP_001269938.1, residues 589-609): FVEPRSKGSF[Ser599Pro]ETISAYYARV